The following is an entry in ClinVar:

NM_025233.7(COASY):c.878G>T (p.Arg293Leu)

Gene: COASY (Coenzyme A synthase; plus strand). Cytogenetic location: 17q21.2.
Variant type: single nucleotide variant.
Coding change: c.878G>T on transcript NM_025233.7 (MANE Select); coding-DNA position 878, G replaced by T.
Protein change: p.Arg293Leu; replaces arginine 293 with leucine.
Molecular consequence: missense variant.
Genome position (GRCh38, 1-based): chr17:42,564,138, G>T. VCF-style: chr17-42564138-G-T. GRCh37 (hg19) VCF-style: chr17-40716156-G-T.
Other names: c.965G>T (NM_001042532.2); c.878G>T, p.Arg293Leu (NM_001042529.3); c.965G>T, p.Arg322Leu (NM_001042532.4); short protein forms R293L, R322L.
Identifiers: ClinVar variation 1382886 (VCV001382886.7), dbSNP rs367865615, ClinGen allele CA8578083.

ClinVar aggregate classification (germline): Uncertain significance. Review status: criteria provided, multiple submitters, no conflicts (2 of 4 stars). 2 submissions from 2 submitters: Uncertain significance (2). Last evaluated 2025-09-10.

Conditions:
Neurodegeneration with brain iron accumulation 6 (NBIA6). Also called: COASY protein-associated neurodegeneration. Identifiers: Orphanet 397725, MedGen C4517377, MONDO:0014290, OMIM 615643.

Allele frequency attached by ClinVar (database versions not stated): ESP Exome Variant Server 0.00008.

Submissions (2):

Ambry Genetics
Classification: Uncertain significance. Last evaluated: 2025-09-10. Review status: criteria provided, single submitter. Criteria: Ambry Variant Classification Scheme 2023. Collection method: clinical testing. Allele origin: germline.

Labcorp Genetics (formerly Invitae), Labcorp
Classification: Uncertain significance for Neurodegeneration with brain iron accumulation 6. Last evaluated: 2023-05-22. Review status: criteria provided, single submitter. Criteria: Invitae Variant Classification Sherloc (09022015). Collection method: clinical testing. Allele origin: germline.
Comment: This sequence change replaces arginine, which is basic and polar, with leucine, which is neutral and non-polar, at codon 293 of the COASY protein (p.Arg293Leu). This variant is present in population databases (rs367865615, gnomAD 0.008%). This variant has not been reported in the literature in individuals affected with COASY-related conditions. ClinVar contains an entry for this variant (Variation ID: 1382886). Advanced modeling of protein sequence and biophysical properties (such as structural, functional, and spatial information, amino acid conservation, physicochemical variation, residue mobility, and thermodynamic stability) performed at Invitae indicates that this missense variant is not expected to disrupt COASY protein function. In summary, the available evidence is currently insufficient to determine the role of this variant in disease. Therefore, it has been classified as a Variant of Uncertain Significance.